The following is an entry in ClinVar:

ClinVar aggregate classification (germline): Likely benign. Review status: criteria provided, multiple submitters, no conflicts (2 of 4 stars). 3 submissions from 3 submitters: Likely benign (3). Last evaluated 2024-08-13.

Conditions:
Long QT syndrome (LQTS). Identifiers: MedGen C0023976, MeSH D008133, MONDO:0002442. Disease mechanism: loss of function. Inheritance: Various modes of inheritance.
Cardiac arrhythmia. Also called: Arrhythmia; Cardiac rhythm disease. Identifiers: MedGen C0003811, MONDO:0007263, HP:0011675.

Allele frequency attached by ClinVar (database versions not stated): TOPMed 0.00001.
gnomAD v4.1: 7 of 1,588,546 alleles (0.00044%); highest among the groups gnomAD compares: Non-Finnish European, 0.00051%; no homozygotes.

Submissions (3):

All of Us Research Program, National Institutes of Health
Classification: Likely benign for Long QT syndrome. Last evaluated: 2024-08-13. Review status: criteria provided, single submitter. Criteria: ACMG Guidelines, 2015. Collection method: clinical testing. Allele origin: germline. Inheritance: Autosomal dominant inheritance. Observed: 3 variant alleles, 3 heterozygotes.
Comment: This study involves interpretation of variants in research participants for the purpose of population health screening. Participant phenotype was not available at the time of variant classification. Additional details can be found in publication PMID: 35346344, PMCID: PMC8962531

Labcorp Genetics (formerly Invitae), Labcorp
Classification: Likely benign for Long QT syndrome. Last evaluated: 2024-05-02. Review status: criteria provided, single submitter. Criteria: Invitae Variant Classification Sherloc (09022015). Collection method: clinical testing. Allele origin: germline.

Color Diagnostics, LLC DBA Color Health
Classification: Likely benign for Arrhythmia. Last evaluated: 2019-10-07. Review status: criteria provided, single submitter. Criteria: ACMG Guidelines, 2015. Collection method: clinical testing. Allele origin: germline.

NM_000238.4(KCNH2):c.77-4C>T

Gene: KCNH2 (potassium voltage-gated channel subfamily H member 2; minus strand). Cytogenetic location: 7q36.1.
Variant type: single nucleotide variant.
Coding change: c.77-4C>T on transcript NM_000238.4 (MANE Select); 4 bases into the intron before coding-DNA position 77, C replaced by T.
Molecular consequence: intron variant.
Genome position (GRCh38, 1-based): chr7:150,974,945, G>A on the plus strand (C>T on the coding strand, the complement: KCNH2 is on the minus strand). VCF-style: chr7-150974945-G-A. GRCh37 (hg19) VCF-style: chr7-150672033-G-A.
Other names: c.77-4C>T (NM_172056.3); c.-101-4C>T (NM_001406755.1).
Identifiers: ClinVar variation 697323 (VCV000697323.17), dbSNP rs1584883545, ClinGen allele CA915945561.